The following is an entry in ClinVar:

NM_000503.6(EYA1):c.1627C>T (p.Gln543Ter)

Gene: EYA1 (EYA transcriptional coactivator and phosphatase 1; minus strand). Cytogenetic location: 8q13.3.
Variant type: single nucleotide variant.
Coding change: c.1627C>T on transcript NM_000503.6 (MANE Select); coding-DNA position 1627, C replaced by T.
Protein change: p.Gln543Ter; replaces glutamine 543 with a stop codon.
Molecular consequence: nonsense.
Genome position (GRCh38, 1-based): chr8:71,211,227, G>A on the plus strand (C>T on the coding strand, the complement: EYA1 is on the minus strand). VCF-style: chr8-71211227-G-A. GRCh37 (hg19) VCF-style: chr8-72123462-G-A.
Other names: c.1609C>T, p.Gln537Ter (NM_001288574.2, NM_172059.5); c.1261C>T, p.Gln421Ter (NM_001288575.2); c.1714C>T, p.Gln572Ter (NM_001370333.1); c.1627C>T, p.Gln543Ter (NM_001370334.1, NM_001370335.1, NM_172058.4); c.1606C>T, p.Gln536Ter (NM_001370336.1); c.1528C>T, p.Gln510Ter (NM_001411797.1, NM_172060.4); short protein forms Q536*, Q543*, Q510*, Q421*, Q572*, Q537*.
Identifiers: ClinVar variation 2136678 (VCV002136678.4), dbSNP rs2537208023, ClinGen allele CA371465963.

ClinVar aggregate classification (germline): Pathogenic (1 of 4 stars; one submission).

Conditions:
Melnick-Fraser syndrome (BOR). Also called: Branchio-oto-renal syndrome; Branchiootorenal Syndrome (BORS); Branchiootorenal syndrome. Identifiers: Orphanet 107, MedGen C0265234, MONDO:0007029.

Submission:

Labcorp Genetics (formerly Invitae), Labcorp
Classification: Pathogenic for Melnick-Fraser syndrome. Last evaluated: 2022-06-23. Review status: criteria provided, single submitter. Criteria: Invitae Variant Classification Sherloc (09022015). Collection method: clinical testing. Allele origin: germline.
Comment: This sequence change creates a premature translational stop signal (p.Gln543*) in the EYA1 gene. It is expected to result in an absent or disrupted protein product. Loss-of-function variants in EYA1 are known to be pathogenic (PMID: 10464653, 18220287). This variant is not present in population databases (gnomAD no frequency). For these reasons, this variant has been classified as Pathogenic. This premature translational stop signal has been observed in individuals with branchiootorenal spectrum disorders (PMID: 28289595, 34160378).

Literature cited by the submitters: PubMed 10464653; PubMed 18220287; PubMed 28289595; PubMed 34160378.